The following is an entry in ClinVar:

ClinVar aggregate classification (germline): Pathogenic (1 of 4 stars; one submission).

Conditions:
Supravalvar aortic stenosis (SVAS). Also called: Supravalvar aortic stenosis, Eisenberg type. Identifiers: Orphanet 3193, MedGen C0003499, MONDO:0008504, OMIM 185500, HP:0004381.

Submission:

Laboratory for Molecular Medicine, Mass General Brigham Personalized Medicine
Classification: Pathogenic for Supravalvular aortic stenosis. Last evaluated: 2011-06-16. Review status: criteria provided, single submitter. Criteria: LMM Criteria. Collection method: clinical testing. Allele origin: germline. Observed: 2 variant alleles.
Comment: The 889+2T>C variant has not been reported in the literature nor previously iden tified by our laboratory. However, the 889+2T>C variant is predicted to cause ab normal splicing because the nucleotide substitution occurs in the highly conserv ed splice consensus sequence. Splice-site alterations are a reported cause of SV AS in the ELN gene (Human Genome Mutation Database, HGMD). In summary, this vari ant is highly likely to be pathogenic.

NM_000501.4(ELN):c.889+2T>C

Gene: ELN (elastin; plus strand). Cytogenetic location: 7q11.23.
Variant type: single nucleotide variant.
Coding change: c.889+2T>C on transcript NM_000501.4 (MANE Select); the canonical splice donor site of the intron after coding-DNA position 889, T replaced by C.
Molecular consequence: splice donor variant.
Genome position (GRCh38, 1-based): chr7:74,051,841, T>C. VCF-style: chr7-74051841-T-C. GRCh37 (hg19) VCF-style: chr7-73466171-T-C.
Other names: c.904+2T>C (NM_001081754.3, NM_001081753.3); c.889+2T>C (NM_001278939.2, NM_001278915.2, NM_001278912.2 and 1 more transcripts); c.847+2T>C (NM_001278916.2); c.781+2T>C (NM_001278913.2); c.874+2T>C (NM_001278914.2); c.859+2T>C (NM_001278917.2, NM_001081752.3); c.757+2T>C (NM_001278918.2).
Identifiers: ClinVar variation 177951 (VCV000177951.4), dbSNP rs727504419, ClinGen allele CA281483.
Genomic context (GRCh38, chr7:74,051,841, plus strand): 5'-TGGAGGGGCTGGTGTTCCTGGCGTGCCTGGGGCAATTCCTGGAATTGGAGGCATCGCAGG[T>C]AACATCTGTCCCAGCAGGGGGCGGGTGTGTCCTTGAGATGGCCACAGGGCAAGGACCTCA-3'